The following is an entry in ClinVar:

NM_001130438.3(SPTAN1):c.5673C>G (p.Ile1891Met)

Gene: SPTAN1 (spectrin alpha, non-erythrocytic 1; plus strand). Cytogenetic location: 9q34.11.
Variant type: single nucleotide variant.
Coding change: c.5673C>G on transcript NM_001130438.3 (MANE Select); coding-DNA position 5673, C replaced by G.
Protein change: p.Ile1891Met; replaces isoleucine 1891 with methionine.
Molecular consequence: missense variant.
Genome position (GRCh38, 1-based): chr9:128,618,943, C>G. VCF-style: chr9-128618943-C-G. GRCh37 (hg19) VCF-style: chr9-131381222-C-G.
Other names: c.5598C>G, p.Ile1866Met (NM_001195532.2); c.5673C>G, p.Ile1891Met (NM_001363759.2, NM_001375310.1, NM_001375311.2 and 1 more transcripts); c.5613C>G, p.Ile1871Met (NM_001363765.2, NM_001375314.2); c.5709C>G, p.Ile1903Met (NM_001375312.2, NM_001375318.1); c.5658C>G, p.Ile1886Met (NM_003127.4); short protein forms I1866M, I1871M, I1886M, I1891M, I1903M.
Identifiers: ClinVar variation 3389756 (VCV003389756.14).

ClinVar aggregate classification (germline): Uncertain significance (1 of 4 stars; one submission).

Submission:

CeGaT Center for Human Genetics Tuebingen
Classification: Uncertain significance. Last evaluated: 2024-09-01. Review status: criteria provided, single submitter. Criteria: CeGaT Center For Human Genetics Tuebingen Variant Classification Criteria Version 2. Collection method: clinical testing. Allele origin: germline. Affected: yes. Observed: 1 variant allele.
Comment: SPTAN1: PM2